The following is an entry in ClinVar:

ClinVar aggregate classification (germline): Uncertain significance. Review status: criteria provided, multiple submitters, no conflicts (2 of 4 stars). 3 submissions from 3 submitters: Uncertain significance (3). Last evaluated 2025-04-13.

Conditions:
Multiple endocrine neoplasia type 2B. Also called: Multiple endocrine neoplasia, type 3; MEN 2B; MULTIPLE ENDOCRINE NEOPLASIA, TYPE IIB; MUCOSAL NEUROMA SYNDROME; Multiple Endocrine Neoplasia Type 2B (MEN2B); MEN IIB. Identifiers: Orphanet 247709, Orphanet 653, MedGen C0025269, MeSH D018814, MONDO:0008082, OMIM 162300.
Hirschsprung disease, susceptibility to, 1 (HSCR1). Also called: RET-Related Hirschsprung Disease. Identifiers: Orphanet 388, MedGen C3888239, MONDO:0007723, OMIM 142623.
Pheochromocytoma. Also called: MAX-Related Hereditary Paraganglioma-Pheochromocytoma Syndrome. Identifiers: Orphanet 29072, MedGen C0031511, MONDO:0008233, OMIM 171300, HP:0002666.
Multiple endocrine neoplasia type 2A. Also called: MULTIPLE ENDOCRINE NEOPLASIA, TYPE IIA; PTC SYNDROME; SIPPLE SYNDROME; MEN 2A; MEN-2A syndrome; Pheochromocytoma and amyloid producing medullary thyroid carcinoma. Identifiers: Orphanet 247698, Orphanet 653, MedGen C0025268, MeSH D018813, MONDO:0008234, OMIM 171400.
Familial medullary thyroid carcinoma (MTC). Also called: Thyroid cancer, familial medullary; MTC, familial; Familial Medullary Thyroid Carcinoma (FMTC). Identifiers: Orphanet 653, Orphanet 99361, MedGen C1833921, MONDO:0007958, OMIM 155240.
Hereditary cancer-predisposing syndrome. Also called: Hereditary Cancer Syndrome; Hereditary neoplastic syndrome; Tumor predisposition; Neoplastic Syndromes, Hereditary. Identifiers: Orphanet 140162, MedGen C0027672, MeSH D009386, MONDO:0015356.
Multiple endocrine neoplasia, type 2 (MEN2). Identifiers: Orphanet 653, MedGen C4048306, MONDO:0019003. Disease mechanism: gain of function.

Submissions (3):

Labcorp Genetics (formerly Invitae), Labcorp
Classification: Uncertain significance for Multiple endocrine neoplasia, type 2. Last evaluated: 2025-04-13. Review status: criteria provided, single submitter. Criteria: Invitae Variant Classification Sherloc (09022015). Collection method: clinical testing. Allele origin: germline.
Comment: This sequence change replaces glycine, which is neutral and non-polar, with alanine, which is neutral and non-polar, at codon 141 of the RET protein (p.Gly141Ala). This variant is not present in population databases (gnomAD no frequency). This variant has not been reported in the literature in individuals affected with RET-related conditions. ClinVar contains an entry for this variant (Variation ID: 1002252). An algorithm developed to predict the effect of missense changes on protein structure and function (PolyPhen-2) suggests that this variant is likely to be tolerated. In summary, the available evidence is currently insufficient to determine the role of this variant in disease. Therefore, it has been classified as a Variant of Uncertain Significance.

Fulgent Genetics
Classification: Uncertain significance for Hirschsprung disease, susceptibility to, 1; Familial medullary thyroid carcinoma; Multiple endocrine neoplasia type 2B; Pheochromocytoma; Multiple endocrine neoplasia type 2A. Last evaluated: 2024-01-09. Review status: criteria provided, single submitter. Criteria: ACMG Guidelines, 2015. Collection method: clinical testing. Allele origin: germline.

Ambry Genetics
Classification: Uncertain significance for Hereditary cancer-predisposing syndrome. Last evaluated: 2022-10-27. Review status: criteria provided, single submitter. Criteria: Ambry Variant Classification Scheme 2023. Collection method: clinical testing. Allele origin: germline.
Comment: The p.G141A variant (also known as c.422G>C), located in coding exon 3 of the RET gene, results from a G to C substitution at nucleotide position 422. The glycine at codon 141 is replaced by alanine, an amino acid with similar properties. This amino acid position is conserved. In addition, this alteration is predicted to be tolerated by in silico analysis. Since supporting evidence is limited at this time, the clinical significance of this alteration remains unclear.

NM_020975.6(RET):c.422G>C (p.Gly141Ala)

Gene: RET (ret proto-oncogene; plus strand). Cytogenetic location: 10q11.21.
Variant type: single nucleotide variant.
Coding change: c.422G>C on transcript NM_020975.6 (MANE Select); coding-DNA position 422, G replaced by C.
Protein change: p.Gly141Ala; replaces glycine 141 with alanine.
Molecular consequence: missense variant.
Genome position (GRCh38, 1-based): chr10:43,102,426, G>C. VCF-style: chr10-43102426-G-C. GRCh37 (hg19) VCF-style: chr10-43597874-G-C.
Other names: c.422G>C, p.Gly141Ala (NM_000323.2, NM_001406743.1, NM_001406744.1 and 16 more transcripts); short protein forms G141A.
Identifiers: ClinVar variation 1002252 (VCV001002252.13), dbSNP rs770840152, ClinGen allele CA376770792.